The following is an entry in ClinVar:

NM_032444.4(SLX4):c.3907G>A (p.Glu1303Lys)

Gene: SLX4 (SLX4 structure-specific endonuclease subunit; minus strand). Cytogenetic location: 16p13.3.
Variant type: single nucleotide variant.
Coding change: c.3907G>A on transcript NM_032444.4 (MANE Select); coding-DNA position 3907, G replaced by A.
Protein change: p.Glu1303Lys; replaces glutamic acid 1303 with lysine.
Molecular consequence: missense variant.
Genome position (GRCh38, 1-based): chr16:3,589,731, C>T on the plus strand (G>A on the coding strand, the complement: SLX4 is on the minus strand). VCF-style: chr16-3589731-C-T. GRCh37 (hg19) VCF-style: chr16-3639732-C-T.
Other names: short protein forms E1303K.
Identifiers: ClinVar variation 842011 (VCV000842011.7), dbSNP rs759828401, ClinGen allele CA7865793.

ClinVar aggregate classification (germline): Uncertain significance (1 of 4 stars; one submission).

Conditions:
Fanconi anemia (FA). Also called: Fanconi's anemia. Identifiers: Orphanet 84, MedGen C0015625, MeSH D005199, MONDO:0019391.

Allele frequency attached by ClinVar (database versions not stated): ExAC 0.00001; gnomAD 0.00001; gnomAD exomes 0.00001 and 0.00002; TOPMed 0.00001.
gnomAD v4.1: 28 of 1,613,808 alleles (0.0017%); highest among the groups gnomAD compares: Non-Finnish European, 0.0024%; no homozygotes.

Submission:

Labcorp Genetics (formerly Invitae), Labcorp
Classification: Uncertain significance for Fanconi anemia. Last evaluated: 2023-04-07. Review status: criteria provided, single submitter. Criteria: Invitae Variant Classification Sherloc (09022015). Collection method: clinical testing. Allele origin: germline.
Comment: This variant has not been reported in the literature in individuals affected with SLX4-related conditions. In summary, the available evidence is currently insufficient to determine the role of this variant in disease. Therefore, it has been classified as a Variant of Uncertain Significance. Algorithms developed to predict the effect of missense changes on protein structure and function output the following: SIFT: "Not Available"; PolyPhen-2: "Benign"; Align-GVGD: "Not Available". The lysine amino acid residue is found in multiple mammalian species, which suggests that this missense change does not adversely affect protein function. ClinVar contains an entry for this variant (Variation ID: 842011). This variant is present in population databases (rs759828401, gnomAD 0.002%). This sequence change replaces glutamic acid, which is acidic and polar, with lysine, which is basic and polar, at codon 1303 of the SLX4 protein (p.Glu1303Lys).